The following is an entry in ClinVar:

NM_001253.4(CDC5L):c.1548T>C (p.Ala516=)

Gene: CDC5L (cell division cycle 5 like; plus strand). Cytogenetic location: 6p21.1.
Variant type: single nucleotide variant.
Coding change: c.1548T>C on transcript NM_001253.4 (MANE Select); coding-DNA position 1548, T replaced by C.
Protein change: p.Ala516=; no amino-acid change (alanine 516 retained).
Molecular consequence: synonymous variant.
Genome position (GRCh38, 1-based): chr6:44,424,562, T>C. VCF-style: chr6-44424562-T-C. GRCh37 (hg19) VCF-style: chr6-44392299-T-C.
Identifiers: ClinVar variation 3031164 (VCV003031164.2), dbSNP rs762774387, ClinGen allele CA3835481.

ClinVar aggregate classification (germline): Likely benign (0 of 4 stars; one submission).

Conditions:
CDC5L-related disorder. Also called: CDC5L-related condition.

Allele frequency attached by ClinVar (database versions not stated): gnomAD 0.00001; gnomAD exomes 0.00002; TOPMed 0.00002; ExAC 0.00005.
gnomAD v4.1: 26 of 1,613,778 alleles (0.0016%); highest among the groups gnomAD compares: Non-Finnish European, 0.0022%; no homozygotes.

Submission:

PreventionGenetics, part of Exact Sciences
Classification: Likely benign for CDC5L-related condition. Last evaluated: 2021-02-23. Review status: no assertion criteria provided. Collection method: clinical testing. Allele origin: germline.
Comment: This variant is classified as likely benign based on ACMG/AMP sequence variant interpretation guidelines (Richards et al. 2015 PMID: 25741868, with internal and published modifications).